The following is an entry in ClinVar:

ClinVar aggregate classification (germline): Conflicting classifications of pathogenicity. Review status: criteria provided, conflicting classifications (1 of 4 stars). 3 submissions from 3 submitters: Uncertain significance (2); Likely benign (1). Last evaluated 2025-11-10.

Conditions:
Inborn genetic diseases. Identifiers: MedGen C0950123, MeSH D030342.

Allele frequency attached by ClinVar (database versions not stated): ESP Exome Variant Server 0.00039; ExAC 0.00041; gnomAD exomes 0.00043 and 0.00071; TOPMed 0.00057; gnomAD 0.00058 and 0.00059.
gnomAD v4.1: 1,103 of 1,613,688 alleles (0.068%); highest among the groups gnomAD compares: Non-Finnish European, 0.085%; 1 homozygote.

Submissions (3):

Labcorp Genetics (formerly Invitae), Labcorp
Classification: Likely benign. Last evaluated: 2025-11-10. Review status: criteria provided, single submitter. Criteria: Invitae Variant Classification Sherloc (09022015). Collection method: clinical testing. Allele origin: germline.

Ambry Genetics
Classification: Uncertain significance for Inborn genetic diseases. Last evaluated: 2021-07-06. Review status: criteria provided, single submitter. Criteria: Ambry Variant Classification Scheme 2023. Collection method: clinical testing. Allele origin: germline.

GeneDx
Classification: Uncertain significance. Last evaluated: 2021-02-16. Review status: criteria provided, single submitter. Criteria: GeneDx Variant Classification Process June 2021. Collection method: clinical testing. Allele origin: germline. Affected: yes.
Comment: In silico analysis supports that this missense variant does not alter protein structure/function; Has not been previously reported as a germline pathogenic or benign variant to our knowledge

NM_001286577.2(C2CD3):c.5404T>C (p.Tyr1802His)

Gene: C2CD3 (C2 domain containing 3 centriole elongation regulator; minus strand). Cytogenetic location: 11q13.4.
Variant type: single nucleotide variant.
Coding change: c.5404T>C on transcript NM_001286577.2 (MANE Select); coding-DNA position 5404, T replaced by C.
Protein change: p.Tyr1802His; replaces tyrosine 1802 with histidine.
Molecular consequence: missense variant.
Genome position (GRCh38, 1-based): chr11:74,048,296, A>G on the plus strand (T>C on the coding strand, the complement: C2CD3 is on the minus strand). VCF-style: chr11-74048296-A-G. GRCh37 (hg19) VCF-style: chr11-73759341-A-G.
Other names: c.5404T>C, p.Tyr1802His (NM_015531.6); c.5404T>C (NM_015531.4); short protein forms Y1802H.
Identifiers: ClinVar variation 373578 (VCV000373578.9), dbSNP rs141407711, ClinGen allele CA6181891.